The following is an entry in ClinVar:

NM_003014.4(SFRP4):c.834T>G (p.Asp278Glu)

Gene: SFRP4 (secreted frizzled related protein 4; minus strand). Cytogenetic location: 7p14.1.
Variant type: single nucleotide variant.
Coding change: c.834T>G on transcript NM_003014.4 (MANE Select); coding-DNA position 834, T replaced by G.
Protein change: p.Asp278Glu; replaces aspartic acid 278 with glutamic acid.
Molecular consequence: missense variant.
Genome position (GRCh38, 1-based): chr7:37,909,638, A>C on the plus strand (T>G on the coding strand, the complement: SFRP4 is on the minus strand). VCF-style: chr7-37909638-A-C. GRCh37 (hg19) VCF-style: chr7-37949240-A-C.
Other names: short protein forms D278E.
Identifiers: ClinVar variation 1414945 (VCV001414945.8), dbSNP rs1554369743, ClinGen allele CA367218686.
Genomic context (GRCh38, chr7:37,909,638, plus strand): 5'-ACTTACATCCATCTTCACAGCATTGTTCATGATACTTACTATGGATCTTTTACTAAGCTG[A>C]TCTCTCCATTTTTCAACTAAGCAATTTTCAAGAAGCATCATCCTGAAAAAAAATTATCTT-3'
Protein context (NP_003005.2, residues 268-288): LENCLVEKWR[Asp278Glu]QLSKRSIQWE

ClinVar aggregate classification (germline): Uncertain significance (1 of 4 stars; one submission).

Allele frequency attached by ClinVar (database versions not stated): gnomAD exomes below 0.00001.
gnomAD v4.1: 2 of 1,581,056 alleles (0.00013%); highest among the groups gnomAD compares: Non-Finnish European, 0.00017%; no homozygotes.

Submission:

Labcorp Genetics (formerly Invitae), Labcorp
Classification: Uncertain significance. Last evaluated: 2021-04-13. Review status: criteria provided, single submitter. Criteria: Invitae Variant Classification Sherloc (09022015). Collection method: clinical testing. Allele origin: germline.
Comment: In summary, the available evidence is currently insufficient to determine the role of this variant in disease. Therefore, it has been classified as a Variant of Uncertain Significance. Algorithms developed to predict the effect of missense changes on protein structure and function output the following: SIFT: "Tolerated"; PolyPhen-2: "Benign"; Align-GVGD: "Class C0". The glutamic acid amino acid residue is found in multiple mammalian species, suggesting that this missense change does not adversely affect protein function. These predictions have not been confirmed by published functional studies and their clinical significance is uncertain. This variant has not been reported in the literature in individuals with SFRP4-related conditions. This variant is not present in population databases (ExAC no frequency). This sequence change replaces aspartic acid with glutamic acid at codon 278 of the SFRP4 protein (p.Asp278Glu). The aspartic acid residue is highly conserved and there is a small physicochemical difference between aspartic acid and glutamic acid.